The following is an entry in ClinVar:

NM_032776.3(JMJD1C):c.7070T>G (p.Ile2357Ser)

Gene: JMJD1C (jumonji domain containing 1C; minus strand). Cytogenetic location: 10q21.3.
Variant type: single nucleotide variant.
Coding change: c.7070T>G on transcript NM_032776.3 (MANE Select); coding-DNA position 7070, T replaced by G.
Protein change: p.Ile2357Ser; replaces isoleucine 2357 with serine.
Molecular consequence: missense variant. On other transcripts: non-coding transcript variant (1).
Genome position (GRCh38, 1-based): chr10:63,183,461, A>C on the plus strand (T>G on the coding strand, the complement: JMJD1C is on the minus strand). VCF-style: chr10-63183461-A-C. GRCh37 (hg19) VCF-style: chr10-64943221-A-C.
Other names: c.6524T>G, p.Ile2175Ser (NM_001282948.2, NM_001318154.2); c.6206T>G, p.Ile2069Ser (NM_001318153.2); c.6956T>G, p.Ile2319Ser (NM_001322252.2); c.6413T>G, p.Ile2138Ser (NM_001322254.2, NM_001322258.2); short protein forms I2138S, I2319S, I2175S, I2357S, I2069S.
Identifiers: ClinVar variation 1035063 (VCV001035063.9), dbSNP rs368678718, ClinGen allele CA5517730.

ClinVar aggregate classification (germline): Uncertain significance (1 of 4 stars; one submission).

Conditions:
Early Myoclonic Encephalopathy. Identifiers: MedGen C0270855.

Allele frequency attached by ClinVar (database versions not stated): gnomAD 0.00001; ESP Exome Variant Server 0.00008; 1000 Genomes Project 30x 0.00016; ExAC 0.00001; gnomAD exomes 0.00001; TOPMed 0.00001.

Submission:

Labcorp Genetics (formerly Invitae), Labcorp
Classification: Uncertain significance for Early Myoclonic Encephalopathy. Last evaluated: 2020-10-01. Review status: criteria provided, single submitter. Criteria: Invitae Variant Classification Sherloc (09022015). Collection method: clinical testing. Allele origin: germline.
Comment: This sequence change replaces isoleucine with serine at codon 2357 of the JMJD1C protein (p.Ile2357Ser). The isoleucine residue is weakly conserved and there is a large physicochemical difference between isoleucine and serine. This variant is present in population databases (rs368678718, ExAC 0.002%). This variant has not been reported in the literature in individuals with JMJD1C-related conditions. Algorithms developed to predict the effect of missense changes on protein structure and function are either unavailable or do not agree on the potential impact of this missense change (SIFT: "Deleterious"; PolyPhen-2: "Benign"; Align-GVGD: "Class C0"). In summary, the available evidence is currently insufficient to determine the role of this variant in disease. Therefore, it has been classified as a Variant of Uncertain Significance.